The following is an entry in ClinVar:

NM_000271.5(NPC1):c.1506CTT[1] (p.Phe504del)

Gene: NPC1 (NPC intracellular cholesterol transporter 1; minus strand). Cytogenetic location: 18q11.2.
Variant type: Microsatellite.
Coding change: c.1506CTT[1] on transcript NM_000271.5 (MANE Select); one copy of the 3-base unit CTT starting at c.1506; the reference has two copies in a row; one copy, 3 bases deleted.
Protein change: p.Phe504del; deletes phenylalanine 504.
Molecular consequence: inframe deletion.
Genome position (GRCh38, 1-based): chr18:23,554,800-23,554,802, AAG deleted on the plus strand (CTT on the coding strand, the reverse complement: NPC1 is on the minus strand); deleting any 3 consecutive bases within chr18:23,554,800-23,554,805 gives the same sequence; the position shown is the placement nearest the transcript's 3' end. VCF-style (leftmost placement, unchanged base first): chr18-23554799-AAAG-A. GRCh37 (hg19) VCF-style: chr18-21134763-AAAG-A.
Other names: short protein forms F504del.
Identifiers: ClinVar variation 471941 (VCV000471941.6), dbSNP rs1555636605, ClinGen allele CA658658728.

ClinVar aggregate classification (germline): Uncertain significance (1 of 4 stars; one submission).

Conditions:
Niemann-Pick disease, type C1. Also called: NIEMANN-PICK DISEASE, VARIANT TYPE C1; NEUROVISCERAL STORAGE DISEASE WITH VERTICAL SUPRANUCLEAR OPHTHALMOPLEGIA; NIEMANN-PICK DISEASE WITH CHOLESTEROL ESTERIFICATION BLOCK; NIEMANN-PICK DISEASE WITHOUT SPHINGOMYELINASE DEFICIENCY; NIEMANN-PICK DISEASE, CHRONIC NEURONOPATHIC FORM. Identifiers: Orphanet 646, MedGen C3179455, MONDO:0009757, OMIM 257220.

Submission:

Labcorp Genetics (formerly Invitae), Labcorp
Classification: Uncertain significance for Niemann-Pick disease, type C1. Last evaluated: 2021-09-17. Review status: criteria provided, single submitter. Criteria: Invitae Variant Classification Sherloc (09022015). Collection method: clinical testing. Allele origin: germline.
Comment: This variant, c.1509_1511del, results in the deletion of 1 amino acid(s) of the NPC1 protein (p.Phe504del), but otherwise preserves the integrity of the reading frame. This variant is not present in population databases (ExAC no frequency). This variant has been observed in individual(s) with clinical features of NPC1-related conditions (Invitae). In at least one individual the data is consistent with the variant being in trans (on the opposite chromosome) from a pathogenic variant. Experimental studies and prediction algorithms are not available or were not evaluated, and the functional significance of this variant is currently unknown. In summary, the available evidence is currently insufficient to determine the role of this variant in disease. Therefore, it has been classified as a Variant of Uncertain Significance.